The following is an entry in ClinVar:

ClinVar aggregate classification (germline): Uncertain significance (1 of 4 stars; one submission).

Conditions:
ANKRD1-related dilated cardiomyopathy. Identifiers: MedGen CN119551.

Submission:

Labcorp Genetics (formerly Invitae), Labcorp
Classification: Uncertain significance for ANKRD1-related dilated cardiomyopathy. Last evaluated: 2025-02-05. Review status: criteria provided, single submitter. Criteria: Invitae Variant Classification Sherloc (09022015). Collection method: clinical testing. Allele origin: germline.
Comment: This sequence change replaces alanine, which is neutral and non-polar, with serine, which is neutral and polar, at codon 160 of the ANKRD1 protein (p.Ala160Ser). This variant is not present in population databases (gnomAD no frequency). This variant has not been reported in the literature in individuals affected with ANKRD1-related conditions. ClinVar contains an entry for this variant (Variation ID: 2124845). Invitae Evidence Modeling of protein sequence and biophysical properties (such as structural, functional, and spatial information, amino acid conservation, physicochemical variation, residue mobility, and thermodynamic stability) indicates that this missense variant is not expected to disrupt ANKRD1 protein function with a negative predictive value of 80%. In summary, the available evidence is currently insufficient to determine the role of this variant in disease. Therefore, it has been classified as a Variant of Uncertain Significance.

NM_014391.3(ANKRD1):c.478G>T (p.Ala160Ser)

Gene: ANKRD1 (ankyrin repeat domain 1; minus strand). Cytogenetic location: 10q23.31.
Variant type: single nucleotide variant.
Coding change: c.478G>T on transcript NM_014391.3 (MANE Select); coding-DNA position 478, G replaced by T.
Protein change: p.Ala160Ser; replaces alanine 160 with serine.
Molecular consequence: missense variant.
Genome position (GRCh38, 1-based): chr10:90,917,806, C>A on the plus strand (G>T on the coding strand, the complement: ANKRD1 is on the minus strand). VCF-style: chr10-90917806-C-A. GRCh37 (hg19) VCF-style: chr10-92677563-C-A.
Other names: short protein forms A160S.
Identifiers: ClinVar variation 2124845 (VCV002124845.4), dbSNP rs777177504, ClinGen allele CA377551675.